The following is an entry in ClinVar:

ClinVar aggregate classification (germline): Pathogenic (1 of 4 stars; one submission).

Conditions:
X-linked lymphoproliferative disease due to SH2D1A deficiency (XLP1). Also called: DUNCAN DISEASE; IMMUNODEFICIENCY 5; IMMUNODEFICIENCY, X-LINKED PROGRESSIVE COMBINED VARIABLE; INFECTIOUS MONONUCLEOSIS, SEVERE, SUSCEPTIBILITY TO; PURTILO SYNDROME; SH2D1A-Related Lymphoproliferative Disease, X-Linked. Identifiers: Orphanet 2442, Orphanet 538931, MedGen C5399825, MONDO:0024551, OMIM 308240.

Submission:

Labcorp Genetics (formerly Invitae), Labcorp
Classification: Pathogenic for X-linked lymphoproliferative disease due to SH2D1A deficiency. Last evaluated: 2026-01-17. Review status: criteria provided, single submitter. Criteria: Invitae Variant Classification Sherloc (09022015). Collection method: clinical testing. Allele origin: germline.
Comment: This sequence change affects a donor splice site in intron 2 of the SH2D1A gene. RNA analysis indicates that disruption of this splice site induces altered splicing and may result in an absent or altered protein product. This variant is not present in population databases (gnomAD no frequency). Disruption of this splice site has been observed in individuals with clinical features of SH2D1A-related conditions (PMID: 20632414; internal data). Studies have shown that disruption of this splice site results in skipping of exon 2, and produces a non-functional protein and/or introduces a premature termination codon (PMID: 10598819). For these reasons, this variant has been classified as Pathogenic.

Literature cited by the submitters: PubMed 20632414; PubMed 10598819.

NM_002351.5(SH2D1A):c.201+1G>C

Gene: SH2D1A (SH2 domain containing 1A; plus strand). Cytogenetic location: Xq25.
Variant type: single nucleotide variant.
Coding change: c.201+1G>C on transcript NM_002351.5 (MANE Select); the canonical splice donor site of the intron after coding-DNA position 201, G replaced by C.
Molecular consequence: splice donor variant.
Genome position (GRCh38, 1-based): chrX:124,365,825, G>C. VCF-style: chrX-124365825-G-C. GRCh37 (hg19) VCF-style: chrX-123499675-G-C.
Other names: c.201+1G>C (NM_001114937.3).
Identifiers: ClinVar variation 4735515 (VCV004735515.1).